The following is an entry in ClinVar:

NM_000059.4(BRCA2):c.5946del (p.Ser1982fs)

Gene: BRCA2 (BRCA2 DNA repair associated; plus strand). Cytogenetic location: 13q13.1.
Variant type: Deletion.
Coding change: c.5946del on transcript NM_000059.4 (MANE Select); coding-DNA position 5946, one base deleted (T; older notation c.5946delT).
Protein change: p.Ser1982fs; shifts the reading frame from serine 1982.
Molecular consequence: frameshift variant.
Genome position (GRCh38, 1-based): chr13:32,340,301, T deleted. VCF-style (leftmost placement, unchanged base first): chr13-32340300-GT-G. GRCh37 (hg19) VCF-style: chr13-32914437-GT-G.
Other names: NP_000050.3:p.Ser1982ArgfsTer22; NM_000059.4(BRCA2):c.5946del; 6174delT; c.5946delT (NM_000059.3); short protein forms S1982fs.
Identifiers: ClinVar variation 9325 (VCV000009325.173), dbSNP rs80359550, ClinGen allele CA023403.

ClinVar aggregate classification (germline): Pathogenic. Review status: reviewed by expert panel (3 of 4 stars). 88 submissions from 81 submitters: Pathogenic (1). 87 of the submissions do not count toward it. Last evaluated 2024-06-11.

Conditions:
Hereditary breast ovarian cancer syndrome. Also called: Hereditary breast and ovarian cancer; Hereditary breast and ovarian cancer syndrome (HBOC); Hereditary breast and ovarian cancer syndrome; Hereditary breast and/or ovarian cancer syndrome; Breast and ovarian cancer; BRCA1- and BRCA2-Associated Hereditary Breast and Ovarian Cancer. Identifiers: Orphanet 145, MedGen C0677776, MeSH D061325, MONDO:0003582. Disease mechanism: loss of function.
Fanconi anemia complementation group D1. Also called: BRCA2-Related Fanconi Anemia. Identifiers: Orphanet 319462, MedGen C1838457, MONDO:0011584, OMIM 605724.
Medulloblastoma (MDB). Also called: MEDULLOBLASTOMA PREDISPOSITION SYNDROME; Medulloblastoma, somatic. Identifiers: Orphanet 616, MedGen C0025149, MeSH D008527, MONDO:0007959, OMIM 155255, HP:0002885.
Familial prostate cancer. Also called: Hereditary Prostate Cancer. Identifiers: MedGen C2931456, MONDO:0700275, OMIM 176807.
Glioma susceptibility 3 (GLM3). Also called: Glioblastoma 3. Identifiers: Orphanet 182067, Orphanet 360, MedGen C2751641, MONDO:0013093, OMIM 613029.
Wilms tumor 1 (WT1). Also called: Wilms tumor, somatic. Identifiers: Orphanet 654, MedGen CN033288, MONDO:0008679, OMIM 194070.
Pancreatic cancer, susceptibility to, 2. Identifiers: Orphanet 1333, MedGen C3150546, MONDO:0013235, OMIM 613347.
Breast-ovarian cancer, familial, susceptibility to, 2 (BROVCA2). Also called: BRCA2 Hereditary Breast and Ovarian Cancer. Identifiers: Orphanet 145, MedGen C2675520, MONDO:0012933, OMIM 612555. Disease mechanism: loss of function.
Familial cancer of breast. Also called: Hereditary breast cancer; hereditary breast carcinoma; BREAST CANCER, FAMILIAL. Identifiers: Orphanet 227535, MedGen C0346153, MONDO:0016419, OMIM 114480. Disease mechanism: loss of function.
Inherited ovarian cancer (without breast cancer).
Inherited breast cancer and ovarian cancer.
BRCA2-related cancer predisposition. Identifiers: MedGen CN377758, MONDO:0700269.
BRCA2-related disorder. Also called: BRCA2-related condition; BRCA2-related disorders. Identifiers: MedGen CN239275.
Breast and/or ovarian cancer. Identifiers: MedGen CN221562.
Hereditary cancer-predisposing syndrome. Also called: Tumor predisposition; Neoplastic Syndromes, Hereditary; Hereditary neoplastic syndrome; Hereditary Cancer Syndrome. Identifiers: Orphanet 140162, MedGen C0027672, MeSH D009386, MONDO:0015356.
Breast neoplasm. Also called: Breast Neoplasms; Neoplasm of the breast; Neoplasm of breast; Breast tumor. Identifiers: MedGen C1458155, MeSH D001943, MONDO:0021100, HP:0100013. Disease mechanism: gain of function.
Endometrial carcinoma. Also called: Endometrial carcinoma, somatic. Identifiers: MedGen C0476089, MONDO:0002447, OMIM 608089, HP:0012114.
Ovarian neoplasm. Also called: Ovarian Neoplasms; Neoplasm of ovary; Ovarian tumor. Identifiers: MedGen C0919267, MeSH D010051, MONDO:0021068, HP:0100615.

Allele frequency attached by ClinVar (database versions not stated): gnomAD 0.00019 and 0.00017; ExAC 0.00027; TOPMed 0.00011; ESP Exome Variant Server 0.00016; gnomAD exomes 0.00012 and 0.00029.

Submissions 1 to 7 of 88:

ClinGen ENIGMA BRCA1 and BRCA2 Variant Curation Expert Panel, ClinGen
Classification: Pathogenic for BRCA2-related cancer predisposition. Last evaluated: 2024-06-11. Review status: reviewed by expert panel. Criteria: CSpec BRCA1/2ACMG Rules Specifications V1.0. Collection method: curation. Allele origin: germline. Inheritance: Autosomal dominant inheritance.
Comment: The c.5946del variant in BRCA2 is a deletion of a single nucleotide, predicted to encode a frameshift with consequent premature termination of the protein at codon 22 of the frameshift, or amino acid 2003 (p.Ser1982ArgfsTer22). This deletion variant was not observed in gnomAD v2.1 (exomes only, non-cancer subset) or gnomAD v3.1 (non-cancer subset), but PM2_Supporting was not applied since recall is suboptimal for this type of variant (PM2_Supporting not met). Frameshift variant predicted to cause a premature stop codon in biologically-relevant-exon 11 leading to nonsense mediated decay (PVS1 met). The ENIGMA BRCA1/2 VCEP considered multiple lines of functional and clinical evidence to define exon-specific weights for PTC in BRCA2, and results indicate that strong evidence towards pathogenicity may be applied for a PTC variant in BRCA2 exon 11 (PM5_Strong (PTC)). This variant has been detected in 6 individuals with phenotype consistent with BRCA2-Fanconi Anemia (FA). At least two clinical features of FA (physical features, pathology findings and cancer diagnosis <=5yr) and confirmed chromosome breakage, are seen in these individuals. 6 were compound heterozygous for the variant and a pathogenic or likely pathogenic variant, and confirmed to be in trans. Total points equated to 8 (PM3_Strong met; PMIDs: 14559878, 15516848, 16825431, 19530235). In summary, this variant meets the criteria to be classified as a Pathogenic variant for BRCA2-related cancer predisposition based on the ACMG/AMP criteria applied as specified by the ENIGMA BRCA1/2 VCEP (PVS1, PM5_Strong (PTC), PM3_Strong).

Genetics Laboratory, Great Ormond Street Hospital NHS Foundation Trust, North Thames Genomic Laboratory Hub
Classification: Pathogenic for Inherited breast cancer and ovarian cancer. Last evaluated: 2026-08-19. Review status: criteria provided, single submitter. Criteria: CanVIG BRCA Gene Specific V1.22. Collection method: clinical testing. Allele origin: germline. Affected: yes. Not counted in ClinVar's aggregate classification.
Comment: PS4_strong, PVS1_very-strong, PM5_strong, PP1_strong

PreventionGenetics, part of Exact Sciences
Classification: Pathogenic for BRCA2-related condition. Last evaluated: 2026-06-15. Review status: criteria provided, single submitter. Criteria: ACMG Guidelines, 2015. Collection method: clinical testing. Allele origin: germline. Not counted in ClinVar's aggregate classification.
Comment: The BRCA2 c.5946delT variant is predicted to result in a frameshift and premature protein termination (p.Ser1982Argfs*22). This variant, also described as 6174delT in the literature, has been associated with autosomal dominant hereditary breast and ovarian cancer (OMIM #612555; Couch et al. 1996. PubMed ID: 8673091). It has also been associated with autosomal recessive Fanconi anemia, complementation group D1 (OMIM #605724; Offit et al. 2003. PubMed ID: 14559878). This is a founder variant in the Ashkenazi Jewish population, identified in about 1.5% of Ashkenazi Jewish individuals unselected for breast cancer (Abeliovich et al. 1997. PubMed ID: 9042909; Roa et al. 1996. PubMed ID:8841191). This variant is frequently observed in the Ashkenazi Jewish population in gnomAD. This variant is also found in individuals of diverse ancestry at variable frequencies. It is interpreted as pathogenic in ClinVar (Variation ID: 9325). Frameshift variants in BRCA2 are expected to be pathogenic. In summary, this variant is interpreted as pathogenic.

Cambridge Genomics Laboratory, East Genomic Laboratory Hub, NHS Genomic Medicine Service
Classification: Pathogenic for Inherited breast cancer and ovarian cancer. Last evaluated: 2026-03-16. Review status: criteria provided, single submitter. Criteria: ACGS Best Practice Guidelines for Variant Classification in Rare Disease 2020. Collection method: clinical testing. Allele origin: germline. Affected: yes. Not counted in ClinVar's aggregate classification.
Comment: PVS1,PS4_Very Strong,PM5_Strong

Dasa
Classification: Pathogenic for Breast-ovarian cancer, familial, susceptibility to, 2. Last evaluated: 2026-02-23. Review status: criteria provided, single submitter. Criteria: DASA Assertion Criteria. Collection method: clinical testing. Allele origin: germline. Not counted in ClinVar's aggregate classification.
Comment: NM_000059.4(BRCA2):c.5946del (p.Ser1982ArgfsTer22) is a frameshift variant in BRCA2 predicted to alter the reading frame and introduce a premature termination codon and is predicted to result in an absent or altered protein product. Loss of function is an established disease mechanism for BRCA2 (PMID: 16199546; PMID: 17063271; PMID: 25632310). The affected residue or protein region has prior evidence supporting clinical relevance. This variant has been recurrently observed in individuals with Breast-ovarian cancer, familial, susceptibility to, 2 (PMID: 14559878; PMID: 15516848; PMID: 16825431; PMID: 19530235). Published studies describe this variant in association with Breast-ovarian cancer, familial, susceptibility to, 2 (PMID: 29446198; PMID: 9145676; PMID: 8673092; PMID: 14559878; PMID: 15516848). Also, this variant is rare in population databases. Based on the currently available evidence, this variant is classified as pathogenic.

Labcorp Genetics (formerly Invitae), Labcorp
Classification: Pathogenic for Hereditary breast ovarian cancer syndrome. Last evaluated: 2026-02-03. Review status: criteria provided, single submitter. Criteria: Invitae Variant Classification Sherloc (09022015). Collection method: clinical testing. Allele origin: germline. Not counted in ClinVar's aggregate classification.
Comment: This sequence change creates a premature translational stop signal (p.Ser1982Argfs*22) in the BRCA2 gene. It is expected to result in an absent or disrupted protein product. Loss-of-function variants in BRCA2 are known to be pathogenic (PMID: 20104584). This variant is present in population databases (rs80359550, gnomAD 0.6%). This premature translational stop signal has been observed in individual(s) with breast (43% to 55% lifetime risk) and/or ovarian cancer (20% to 37% lifetime risk) (PMID: 8758903, 9042909, 10417300, 15994883, 22430266). It is commonly reported in individuals of Ashkenazi Jewish ancestry (PMID: 8758903, 9042909, 10417300, 22430266). This premature translational stop signal has been observed to co-occur in individuals with a different variant in BRCA2 that has been determined to be pathogenic (internal data), but the significance of this finding is unclear. This variant is also known as 6174delT. ClinVar contains an entry for this variant (Variation ID: 9325). For these reasons, this variant has been classified as Pathogenic.

CeGaT Center for Human Genetics Tuebingen
Classification: Pathogenic. Last evaluated: 2026-02-01. Review status: criteria provided, single submitter. Criteria: CeGaT Center For Human Genetics Tuebingen Variant Classification Criteria Version 2. Collection method: clinical testing. Allele origin: germline. Affected: yes. Observed: 17 variant alleles. Not counted in ClinVar's aggregate classification.
Comment: BRCA2: PVS1, PS4